The following is an entry in ClinVar:

NM_025132.4(WDR19):c.2364-2A>G

Gene: WDR19 (WD repeat domain 19; plus strand). Cytogenetic location: 4p14.
Variant type: single nucleotide variant.
Coding change: c.2364-2A>G on transcript NM_025132.4 (MANE Select); the canonical splice acceptor site of the intron before coding-DNA position 2364, A replaced by G.
Molecular consequence: splice acceptor variant.
Genome position (GRCh38, 1-based): chr4:39,240,275, A>G. VCF-style: chr4-39240275-A-G. GRCh37 (hg19) VCF-style: chr4-39241895-A-G.
Other names: c.1884-2A>G (NM_001317924.2).
Identifiers: ClinVar variation 2938817 (VCV002938817.4), dbSNP rs2475244297, ClinGen allele CA356636757.

ClinVar aggregate classification (germline): Likely pathogenic. Review status: criteria provided, multiple submitters, no conflicts (2 of 4 stars). 2 submissions from 2 submitters: Likely pathogenic (2). Last evaluated 2024-01-04.

Conditions:
Senior-Loken syndrome 8 (SLSN8). Identifiers: Orphanet 3156, MedGen C4225376, MONDO:0014579, OMIM 616307.
Asphyxiating thoracic dystrophy 5 (SRTD5). Also called: SHORT-RIB THORACIC DYSPLASIA 5 WITH OR WITHOUT POLYDACTYLY; SHORT-RIB THORACIC DYSPLASIA 5 WITHOUT POLYDACTYLY. Identifiers: Orphanet 474, MedGen C3280598, MONDO:0013717, OMIM 614376.

Allele frequency attached by ClinVar (database versions not stated): gnomAD exomes below 0.00001.
gnomAD v4.1: 1 of 1,344,256 alleles (0.000074%); highest among the groups gnomAD compares: South Asian, 0.002%; no homozygotes.

Submissions (2):

3billion
Classification: Likely pathogenic for Senior-Loken syndrome 8. Last evaluated: 2024-01-04. Review status: criteria provided, single submitter. Criteria: ACMG Guidelines, 2015. Collection method: clinical testing. Allele origin: germline. Affected: yes.
Comment: The variant is not observed in the gnomAD v2.1.1 dataset. Predicted Consequence/Location: Canonical splice site: predicted to alter splicing and result in a loss or disruption of normal protein function. Multiple pathogenic loss-of-function variants are reported downstream of the variant. In silico tools predict the variant to alter splicing and produce an abnormal transcript [Splice AI: 0.92 (spliceogenicity >=0.2, non-spliceogenicity <0.1)]. Therefore, this variant is classified as Likely pathogenic according to the recommendation of ACMG/AMP guideline.

Labcorp Genetics (formerly Invitae), Labcorp
Classification: Likely pathogenic for Senior-Loken syndrome 8; Asphyxiating thoracic dystrophy 5. Last evaluated: 2023-07-27. Review status: criteria provided, single submitter. Criteria: Invitae Variant Classification Sherloc (09022015). Collection method: clinical testing. Allele origin: germline.
Comment: In summary, the currently available evidence indicates that the variant is pathogenic, but additional data are needed to prove that conclusively. Therefore, this variant has been classified as Likely Pathogenic. Algorithms developed to predict the effect of sequence changes on RNA splicing suggest that this variant may disrupt the consensus splice site. This variant has not been reported in the literature in individuals affected with WDR19-related conditions. This variant is not present in population databases (gnomAD no frequency). This sequence change affects an acceptor splice site in intron 20 of the WDR19 gene. It is expected to disrupt RNA splicing. Variants that disrupt the donor or acceptor splice site typically lead to a loss of protein function (PMID: 16199547), and loss-of-function variants in WDR19 are known to be pathogenic (PMID: 22019273, 23559409, 23683095, 26275793, 27241786, 29068549).

Literature cited by the submitters: PubMed 16199547 (cited by Labcorp Genetics (formerly Invitae), Labcorp); PubMed 22019273 (cited by Labcorp Genetics (formerly Invitae), Labcorp); PubMed 23559409 (cited by Labcorp Genetics (formerly Invitae), Labcorp); PubMed 23683095 (cited by Labcorp Genetics (formerly Invitae), Labcorp); PubMed 26275793 (cited by Labcorp Genetics (formerly Invitae), Labcorp); PubMed 27241786 (cited by Labcorp Genetics (formerly Invitae), Labcorp); PubMed 29068549 (cited by Labcorp Genetics (formerly Invitae), Labcorp).